The following is an entry in ClinVar:

NM_004304.5(ALK):c.1418A>C (p.Lys473Thr)

Gene: ALK (ALK receptor tyrosine kinase; minus strand). Cytogenetic location: 2p23.2.
Variant type: single nucleotide variant.
Coding change: c.1418A>C on transcript NM_004304.5 (MANE Select); coding-DNA position 1418, A replaced by C.
Protein change: p.Lys473Thr; replaces lysine 473 with threonine.
Molecular consequence: missense variant.
Genome position (GRCh38, 1-based): chr2:29,320,879, T>G on the plus strand (A>C on the coding strand, the complement: ALK is on the minus strand). VCF-style: chr2-29320879-T-G. GRCh37 (hg19) VCF-style: chr2-29543745-T-G.
Other names: short protein forms K473T.
Identifiers: ClinVar variation 2566593 (VCV002566593.2), dbSNP rs768799403, ClinGen allele CA346472735.

ClinVar aggregate classification (germline): Uncertain significance (1 of 4 stars; one submission).

Conditions:
Hereditary cancer-predisposing syndrome. Also called: Hereditary neoplastic syndrome; Hereditary Cancer Syndrome; Neoplastic Syndromes, Hereditary; Tumor predisposition. Identifiers: Orphanet 140162, MedGen C0027672, MeSH D009386, MONDO:0015356.

Submission:

Ambry Genetics
Classification: Uncertain significance for Hereditary cancer-predisposing syndrome. Last evaluated: 2023-05-11. Review status: criteria provided, single submitter. Criteria: Ambry Variant Classification Scheme 2023. Collection method: clinical testing. Allele origin: germline.
Comment: The p.K473T variant (also known as c.1418A>C), located in coding exon 7 of the ALK gene, results from an A to C substitution at nucleotide position 1418. The lysine at codon 473 is replaced by threonine, an amino acid with similar properties. This amino acid position is conserved. In addition, this alteration is predicted to be tolerated by in silico analysis. Since supporting evidence is limited at this time, the clinical significance of this alteration remains unclear.